The following is an entry in ClinVar:

NM_001368882.1(COL13A1):c.181G>T (p.Ala61Ser)

Gene: COL13A1 (collagen type XIII alpha 1 chain; plus strand). Cytogenetic location: 10q22.1.
Variant type: single nucleotide variant.
Coding change: c.181G>T on transcript NM_001368882.1 (MANE Select); coding-DNA position 181, G replaced by T.
Protein change: p.Ala61Ser; replaces alanine 61 with serine.
Molecular consequence: missense variant. On other transcripts: 5 prime UTR variant (1).
Genome position (GRCh38, 1-based): chr10:69,802,604, G>T. VCF-style: chr10-69802604-G-T. GRCh37 (hg19) VCF-style: chr10-71562360-G-T.
Other names: c.181G>T, p.Ala61Ser (NM_001130103.2, NM_001320951.2, NM_001368883.1 and 11 more transcripts); c.-473G>T (NM_001368886.1); short protein forms A61S.
Identifiers: ClinVar variation 1977934 (VCV001977934.5), dbSNP rs1193319633, ClinGen allele CA376961715.

ClinVar aggregate classification (germline): Uncertain significance (1 of 4 stars; one submission).

Allele frequency attached by ClinVar (database versions not stated): gnomAD exomes below 0.00001; gnomAD 0.00001; TOPMed 0.00001.
gnomAD v4.1: 5 of 1,612,662 alleles (0.00031%); highest among the groups gnomAD compares: Admixed American, 0.005%; no homozygotes.

Submission:

Labcorp Genetics (formerly Invitae), Labcorp
Classification: Uncertain significance. Last evaluated: 2022-03-21. Review status: criteria provided, single submitter. Criteria: Invitae Variant Classification Sherloc (09022015). Collection method: clinical testing. Allele origin: germline.
Comment: In summary, the available evidence is currently insufficient to determine the role of this variant in disease. Therefore, it has been classified as a Variant of Uncertain Significance. Algorithms developed to predict the effect of missense changes on protein structure and function are either unavailable or do not agree on the potential impact of this missense change (SIFT: "Deleterious"; PolyPhen-2: "Benign"; Align-GVGD: "Class C0"). This variant has not been reported in the literature in individuals affected with COL13A1-related conditions. This variant is present in population databases (no rsID available, gnomAD 0.003%). This sequence change replaces alanine, which is neutral and non-polar, with serine, which is neutral and polar, at codon 61 of the COL13A1 protein (p.Ala61Ser).